The following is an entry in ClinVar:

ClinVar aggregate classification (germline): Uncertain significance (1 of 4 stars; one submission).

Conditions:
Autosomal recessive polycystic kidney disease (ARPKD). Also called: AR polycystic kidney disease. Identifiers: Orphanet 731, Orphanet 8378, MedGen C0085548, MeSH D017044, MONDO:0009889.

Allele frequency attached by ClinVar (database versions not stated): gnomAD exomes below 0.00001; TOPMed below 0.00001.
gnomAD v4.1: 2 of 1,614,202 alleles (0.00012%); highest among the groups gnomAD compares: Admixed American, 0.0017%; no homozygotes.

Submission:

Labcorp Genetics (formerly Invitae), Labcorp
Classification: Uncertain significance for Autosomal recessive polycystic kidney disease. Last evaluated: 2022-07-28. Review status: criteria provided, single submitter. Criteria: Invitae Variant Classification Sherloc (09022015). Collection method: clinical testing. Allele origin: germline.
Comment: This sequence change replaces valine, which is neutral and non-polar, with alanine, which is neutral and non-polar, at codon 1627 of the PKHD1 protein (p.Val1627Ala). This variant is not present in population databases (gnomAD no frequency). This variant has not been reported in the literature in individuals affected with PKHD1-related conditions. Advanced modeling of protein sequence and biophysical properties (such as structural, functional, and spatial information, amino acid conservation, physicochemical variation, residue mobility, and thermodynamic stability) performed at Invitae indicates that this missense variant is not expected to disrupt PKHD1 protein function. In summary, the available evidence is currently insufficient to determine the role of this variant in disease. Therefore, it has been classified as a Variant of Uncertain Significance.

NM_138694.4(PKHD1):c.4880T>C (p.Val1627Ala)

Genes: PKHD1 (PKHD1 ciliary IPT domain containing fibrocystin/polyductin; minus strand), LOC126859690 (MED14-independent group 3 enhancer GRCh37_chr6:51888848-51890047; plus strand). Cytogenetic location: 6p12.2.
Variant type: single nucleotide variant.
Coding change: c.4880T>C on transcript NM_138694.4 (MANE Select); coding-DNA position 4880, T replaced by C.
Protein change: p.Val1627Ala; replaces valine 1627 with alanine.
Molecular consequence: missense variant.
Genome position (GRCh38, 1-based): chr6:52,024,930, A>G on the plus strand (T>C on the coding strand, the complement: PKHD1 is on the minus strand). VCF-style: chr6-52024930-A-G. GRCh37 (hg19) VCF-style: chr6-51889728-A-G.
Other names: c.4880T>C, p.Val1627Ala (NM_170724.3); short protein forms V1627A.
Identifiers: ClinVar variation 2167556 (VCV002167556.1), dbSNP rs1801911497, ClinGen allele CA364430857.
Genomic context (GRCh38, chr6:52,024,930, plus strand): 5'-ATGTGATACCAAAGTCCATCTACCTCTATTTCCAGGGCAACAGAGCCATTCCCTGTGGGA[A>G]CAATGCACCGGATGAGCTCAGCACCGATGTTCACCGTCAGGCAGGTCTGCTGGTCAATAT-3'
Protein context (NP_619639.3, residues 1617-1637): NIGAELIRCI[Val1627Ala]PTGNGSVALE